The following is an entry in ClinVar:

ClinVar aggregate classification (germline): Uncertain significance (1 of 4 stars; one submission).

Conditions:
Hereditary cancer-predisposing syndrome. Also called: Hereditary Cancer Syndrome; Hereditary neoplastic syndrome; Neoplastic Syndromes, Hereditary; Tumor predisposition. Identifiers: Orphanet 140162, MedGen C0027672, MeSH D009386, MONDO:0015356.

Submission:

Ambry Genetics
Classification: Uncertain significance for Hereditary cancer-predisposing syndrome. Last evaluated: 2025-03-31. Review status: criteria provided, single submitter. Criteria: Ambry Variant Classification Scheme 2023. Collection method: clinical testing. Allele origin: germline.
Comment: The c.1363_1365delCCAinsGCG variant (also known as p.P455A), located in coding exon 5 of the AXIN2 gene, results from an in-frame deletion of CCA and insertion of GCG at nucleotide positions 1363 to 1365. This results in the substitution of the proline residue for an alanine residue at codon 455, an amino acid with highly similar properties. This amino acid position is highly conserved in available vertebrate species. In addition, the in silico prediction for this alteration is inconclusive (Choi Y et al. PLoS ONE. 2012; 7(10):e46688). Based on the available evidence, the clinical significance of this variant remains unclear.

NM_004655.4(AXIN2):c.1363_1365delinsGCG (p.Pro455Ala)

Gene: AXIN2 (axin 2; minus strand). Cytogenetic location: 17q24.1.
Variant type: Indel.
Coding change: c.1363_1365delinsGCG on transcript NM_004655.4 (MANE Select); coding-DNA positions 1363 to 1365, CCA replaced by GCG.
Protein change: p.Pro455Ala; replaces proline 455 with alanine.
Molecular consequence: missense variant.
Genome position (GRCh38, 1-based): chr17:65,537,671-65,537,673, TGG replaced by CGC on the plus strand (CCA replaced by GCG on the coding strand, the reverse complement: AXIN2 is on the minus strand). VCF-style: chr17-65537671-TGG-CGC. GRCh37 (hg19) VCF-style: chr17-63533789-TGG-CGC.
Other names: c.1363_1365delinsGCG, p.Pro455Ala (NM_001363813.1); short protein forms P455A.
Identifiers: ClinVar variation 1770875 (VCV001770875.4), dbSNP rs2509416185, ClinGen allele CA2580094989.